The following is an entry in ClinVar:

ClinVar aggregate classification (germline): Uncertain significance. Review status: criteria provided, multiple submitters, no conflicts (2 of 4 stars). 2 submissions from 2 submitters: Uncertain significance (2). Last evaluated 2025-09-23.

Conditions:
Carney complex, type 1 (CNC1). Also called: CARNEY MYXOMA-ENDOCRINE COMPLEX; CARNEY COMPLEX, TYPE I. Identifiers: Orphanet 1359, MedGen C2607929, MONDO:0008057, OMIM 160980.
Hereditary cancer-predisposing syndrome. Also called: Tumor predisposition; Hereditary neoplastic syndrome; Hereditary Cancer Syndrome; Neoplastic Syndromes, Hereditary. Identifiers: Orphanet 140162, MedGen C0027672, MeSH D009386, MONDO:0015356.

Submissions (2):

Ambry Genetics
Classification: Uncertain significance for Hereditary cancer-predisposing syndrome. Last evaluated: 2025-09-23. Review status: criteria provided, single submitter. Criteria: Ambry Variant Classification Scheme 2023. Collection method: clinical testing. Allele origin: germline.
Comment: The p.P85L variant (also known as c.254C>T), located in coding exon 2 of the PRKAR1A gene, results from a C to T substitution at nucleotide position 254. The proline at codon 85 is replaced by leucine, an amino acid with similar properties. This amino acid position is conserved. In addition, this alteration is predicted to be deleterious by in silico analysis. Based on the available evidence, the clinical significance of this variant remains unclear.

Labcorp Genetics (formerly Invitae), Labcorp
Classification: Uncertain significance for Carney complex, type 1. Last evaluated: 2025-07-02. Review status: criteria provided, single submitter. Criteria: Invitae Variant Classification Sherloc (09022015). Collection method: clinical testing. Allele origin: germline.
Comment: This sequence change replaces proline, which is neutral and non-polar, with leucine, which is neutral and non-polar, at codon 85 of the PRKAR1A protein (p.Pro85Leu). This variant is not present in population databases (gnomAD no frequency). This variant has not been reported in the literature in individuals affected with PRKAR1A-related conditions. ClinVar contains an entry for this variant (Variation ID: 3222763). Invitae Evidence Modeling of protein sequence and biophysical properties (such as structural, functional, and spatial information, amino acid conservation, physicochemical variation, residue mobility, and thermodynamic stability) indicates that this missense variant is not expected to disrupt PRKAR1A protein function with a negative predictive value of 95%. In summary, the available evidence is currently insufficient to determine the role of this variant in disease. Therefore, it has been classified as a Variant of Uncertain Significance.

NM_002734.5(PRKAR1A):c.254C>T (p.Pro85Leu)

Gene: PRKAR1A (protein kinase cAMP-dependent type I regulatory subunit alpha; plus strand). Cytogenetic location: 17q24.2.
Variant type: single nucleotide variant.
Coding change: c.254C>T on transcript NM_002734.5 (MANE Select); coding-DNA position 254, C replaced by T.
Protein change: p.Pro85Leu; replaces proline 85 with leucine.
Molecular consequence: missense variant.
Genome position (GRCh38, 1-based): chr17:68,522,832, C>T. VCF-style: chr17-68522832-C-T. GRCh37 (hg19) VCF-style: chr17-66518973-C-T.
Other names: c.254C>T, p.Pro85Leu (NM_001276289.2, NM_001276290.1, NM_001278433.2 and 4 more transcripts); short protein forms P85L.
Identifiers: ClinVar variation 3222763 (VCV003222763.3), dbSNP rs267605013, ClinGen allele CA293288926.